The following is an entry in ClinVar:

ClinVar aggregate classification (germline): Uncertain significance. Review status: criteria provided, multiple submitters, no conflicts (2 of 4 stars). 2 submissions from 2 submitters: Uncertain significance (2). Last evaluated 2024-05-15.

Conditions:
Primary ciliary dyskinesia. Also called: Ciliary dyskinesia. Identifiers: Orphanet 244, MedGen C0008780, MONDO:0016575, HP:0012265.

Submissions (2):

Ambry Genetics
Classification: Uncertain significance for Primary ciliary dyskinesia. Last evaluated: 2024-05-15. Review status: criteria provided, single submitter. Criteria: Ambry Variant Classification Scheme 2023. Collection method: clinical testing. Allele origin: germline.
Comment: The c.4083_4085delAAG variant (also known as p.R1362del) is located in coding exon 22 of the DNAH11 gene. This variant results from an in-frame AAG deletion at nucleotide positions 4083 to 4085. This results in the in-frame deletion of an arginine at codon 1362. This amino acid position is well conserved in available vertebrate species. In addition, this alteration is predicted to be deleterious by in silico analysis (Choi Y et al. PLoS ONE. 2012; 7(10):e46688). Based on the available evidence, the clinical significance of this variant remains unclear.

Labcorp Genetics (formerly Invitae), Labcorp
Classification: Uncertain significance for Primary ciliary dyskinesia. Last evaluated: 2022-06-08. Review status: criteria provided, single submitter. Criteria: Invitae Variant Classification Sherloc (09022015). Collection method: clinical testing. Allele origin: germline.
Comment: This variant, c.4083_4085del, results in the deletion of 1 amino acid(s) of the DNAH11 protein (p.Arg1362del), but otherwise preserves the integrity of the reading frame. This variant is present in population databases (rs755391243, gnomAD 0.01%). This variant has not been reported in the literature in individuals affected with DNAH11-related conditions. Algorithms developed to predict the effect of sequence changes on RNA splicing suggest that this variant may create or strengthen a splice site. In summary, the available evidence is currently insufficient to determine the role of this variant in disease. Therefore, it has been classified as a Variant of Uncertain Significance.

NM_001277115.2(DNAH11):c.4083_4085del (p.Arg1362del)

Gene: DNAH11 (dynein axonemal heavy chain 11; plus strand). Cytogenetic location: 7p15.3.
Variant type: Deletion.
Coding change: c.4083_4085del on transcript NM_001277115.2 (MANE Select); coding-DNA positions 4083 to 4085, 3 bases deleted (AAG; older notation c.4083_4085delAAG).
Protein change: p.Arg1362del; deletes arginine 1362.
Molecular consequence: inframe deletion. On other transcripts: inframe indel (1).
Genome position (GRCh38, 1-based): chr7:21,616,280-21,616,282, AAG deleted; deleting any 3 consecutive bases within chr7:21,616,278-21,616,282 gives the same sequence; the c. name uses the placement nearest the transcript's 3' end. VCF-style (leftmost placement, unchanged base first): chr7-21616277-CAGA-C. GRCh37 (hg19) VCF-style: chr7-21655895-CAGA-C.
Other names: c.4083_4085delAAG (NM_001277115.1); c.4083_4085delAAG, p.Arg1362del (NM_003777.3); short protein forms R1362del.
Identifiers: ClinVar variation 2419763 (VCV002419763.12), dbSNP rs755391243, ClinGen allele CA4179876.